The following is an entry in ClinVar:

NM_003816.3(ADAM9):c.2190G>C (p.Lys730Asn)

Gene: ADAM9 (ADAM metallopeptidase domain 9; plus strand). Cytogenetic location: 8p11.22.
Variant type: single nucleotide variant.
Coding change: c.2190G>C on transcript NM_003816.3 (MANE Select); coding-DNA position 2190, G replaced by C.
Protein change: p.Lys730Asn; replaces lysine 730 with asparagine.
Molecular consequence: missense variant. On other transcripts: non-coding transcript variant (2).
Genome position (GRCh38, 1-based): chr8:39,090,168, G>C. VCF-style: chr8-39090168-G-C. GRCh37 (hg19) VCF-style: chr8-38947687-G-C.
Other names: short protein forms K730N.
Identifiers: ClinVar variation 1442981 (VCV001442981.7), dbSNP rs753865631, ClinGen allele CA4721820.

ClinVar aggregate classification (germline): Uncertain significance. Review status: criteria provided, multiple submitters, no conflicts (2 of 4 stars). 2 submissions from 2 submitters: Uncertain significance (2). Last evaluated 2021-09-24.

Allele frequency attached by ClinVar (database versions not stated): gnomAD exomes below 0.00001 and 0.00002; TOPMed below 0.00001; ExAC 0.00002.
gnomAD v4.1: 7 of 1,613,704 alleles (0.00043%); highest among the groups gnomAD compares: Admixed American, 0.0083%; no homozygotes.

Submissions (2):

Labcorp Genetics (formerly Invitae), Labcorp
Classification: Uncertain significance. Last evaluated: 2021-09-24. Review status: criteria provided, single submitter. Criteria: Invitae Variant Classification Sherloc (09022015). Collection method: clinical testing. Allele origin: germline.
Comment: This sequence change replaces lysine with asparagine at codon 730 of the ADAM9 protein (p.Lys730Asn). The lysine residue is moderately conserved and there is a moderate physicochemical difference between lysine and asparagine. This variant is present in population databases (rs753865631, ExAC 0.03%). This variant has not been reported in the literature in individuals affected with ADAM9-related conditions. Algorithms developed to predict the effect of missense changes on protein structure and function are either unavailable or do not agree on the potential impact of this missense change (SIFT: "Deleterious"; PolyPhen-2: "Possibly Damaging"; Align-GVGD: "Class C0"). In summary, the available evidence is currently insufficient to determine the role of this variant in disease. Therefore, it has been classified as a Variant of Uncertain Significance.

Blueprint Genetics
Classification: Uncertain significance. Last evaluated: 2019-01-17. Review status: criteria provided, single submitter. Criteria: ACMG Guidelines, 2015. Collection method: clinical testing. Allele origin: germline.